The following is an entry in ClinVar:

NM_000051.4(ATM):c.716T>G (p.Phe239Cys)

Gene: ATM (ATM serine/threonine kinase; plus strand). Cytogenetic location: 11q22.3.
Variant type: single nucleotide variant.
Coding change: c.716T>G on transcript NM_000051.4 (MANE Select); coding-DNA position 716, T replaced by G.
Protein change: p.Phe239Cys; replaces phenylalanine 239 with cysteine.
Molecular consequence: missense variant.
Genome position (GRCh38, 1-based): chr11:108,244,841, T>G. VCF-style: chr11-108244841-T-G. GRCh37 (hg19) VCF-style: chr11-108115568-T-G.
Other names: c.716T>G, p.Phe239Cys (NM_001351834.2); short protein forms F239C.
Identifiers: ClinVar variation 1757481 (VCV001757481.2), dbSNP rs143198946, ClinGen allele CA382529185.
Genomic context (GRCh38, chr11:108,244,841, plus strand): 5'-TTCACAGACAAGAAAAGAGCTCTTCAGGTCTAAATCATATCTTAGCAGCTCTTACTATCT[T>G]CCTCAAGACTTTGGCTGTCAACTTTCGAATTCGAGTGTGTGAATTAGGAGATGAAATTCT-3'
Protein context (NP_000042.3, residues 229-249): LNHILAALTI[Phe239Cys]LKTLAVNFRI

ClinVar aggregate classification (germline): Uncertain significance (1 of 4 stars; one submission).

Conditions:
Hereditary cancer-predisposing syndrome. Also called: Neoplastic Syndromes, Hereditary; Tumor predisposition; Hereditary Cancer Syndrome; Hereditary neoplastic syndrome. Identifiers: Orphanet 140162, MedGen C0027672, MeSH D009386, MONDO:0015356.

Submission:

Ambry Genetics
Classification: Uncertain significance for Hereditary cancer-predisposing syndrome. Last evaluated: 2022-09-25. Review status: criteria provided, single submitter. Criteria: Ambry Variant Classification Scheme 2023. Collection method: clinical testing. Allele origin: germline.
Comment: The p.F239C variant (also known as c.716T>G), located in coding exon 6 of the ATM gene, results from a T to G substitution at nucleotide position 716. The phenylalanine at codon 239 is replaced by cysteine, an amino acid with highly dissimilar properties. This amino acid position is conserved. In addition, the in silico prediction for this alteration is inconclusive. Since supporting evidence is limited at this time, the clinical significance of this alteration remains unclear.